The following is an entry in ClinVar:

NM_001365999.1(SZT2):c.2395C>T (p.Leu799Phe)

Gene: SZT2 (SZT2 subunit of KICSTOR complex; plus strand). Cytogenetic location: 1p34.2.
Variant type: single nucleotide variant.
Coding change: c.2395C>T on transcript NM_001365999.1 (MANE Select); coding-DNA position 2395, C replaced by T.
Protein change: p.Leu799Phe; replaces leucine 799 with phenylalanine.
Molecular consequence: missense variant.
Genome position (GRCh38, 1-based): chr1:43,424,356, C>T. VCF-style: chr1-43424356-C-T. GRCh37 (hg19) VCF-style: chr1-43890027-C-T.
Other names: c.2395C>T, p.Leu799Phe (NM_015284.4); short protein forms L799F.
Identifiers: ClinVar variation 2173420 (VCV002173420.4), dbSNP rs1283056569, ClinGen allele CA340012694.

ClinVar aggregate classification (germline): Uncertain significance (1 of 4 stars; one submission).

Allele frequency attached by ClinVar (database versions not stated): gnomAD 0.00002; gnomAD exomes 0.00002; TOPMed 0.00002.
gnomAD v4.1: 33 of 1,597,998 alleles (0.0021%); highest among the groups gnomAD compares: Non-Finnish European, 0.0025%; no homozygotes.

Submission:

Labcorp Genetics (formerly Invitae), Labcorp
Classification: Uncertain significance. Last evaluated: 2022-08-05. Review status: criteria provided, single submitter. Criteria: Invitae Variant Classification Sherloc (09022015). Collection method: clinical testing. Allele origin: germline.
Comment: In summary, the available evidence is currently insufficient to determine the role of this variant in disease. Therefore, it has been classified as a Variant of Uncertain Significance. Algorithms developed to predict the effect of missense changes on protein structure and function are either unavailable or do not agree on the potential impact of this missense change (SIFT: "Deleterious"; PolyPhen-2: "Benign"; Align-GVGD: "Class C0"). This variant has not been reported in the literature in individuals affected with SZT2-related conditions. This variant is present in population databases (no rsID available, gnomAD 0.003%). This sequence change replaces leucine, which is neutral and non-polar, with phenylalanine, which is neutral and non-polar, at codon 799 of the SZT2 protein (p.Leu799Phe).